The following is an entry in ClinVar:

ClinVar aggregate classification (germline): Uncertain significance. Review status: criteria provided, multiple submitters, no conflicts (2 of 4 stars). 2 submissions from 2 submitters: Uncertain significance (2). Last evaluated 2025-03-14.

Conditions:
Klippel-Feil syndrome 1, autosomal dominant (KFS1). Also called: CERVICAL VERTEBRAL FUSION, AUTOSOMAL DOMINANT. Identifiers: Orphanet 2345, MedGen C1861689, MONDO:0007306, OMIM 118100.
Isolated microphthalmia 4. Identifiers: Orphanet 2542, MedGen C2751307, MONDO:0013130, OMIM 613094.
Microphthalmia, isolated, with coloboma 6 (MCOPCB6). Also called: Microphthalmia with coloboma 6, digenic; Microphthalmia with coloboma 6; MICROPHTHALMIA/COLOBOMA 6. Identifiers: Orphanet 98938, MedGen C3150968, MONDO:0013376, OMIM 613703.
Leber congenital amaurosis 17 (LCA17). Identifiers: Orphanet 65, MedGen C3715164, MONDO:0014145, OMIM 615360.

Submissions (2):

Labcorp Genetics (formerly Invitae), Labcorp
Classification: Uncertain significance for Isolated microphthalmia 4; Leber congenital amaurosis 17; Klippel-Feil syndrome 1, autosomal dominant; Microphthalmia, isolated, with coloboma 6. Last evaluated: 2025-03-14. Review status: criteria provided, single submitter. Criteria: Invitae Variant Classification Sherloc (09022015). Collection method: clinical testing. Allele origin: germline.
Comment: This sequence change replaces glutamine, which is neutral and polar, with histidine, which is basic and polar, at codon 253 of the GDF6 protein (p.Gln253His). This variant is not present in population databases (gnomAD no frequency). This variant has not been reported in the literature in individuals affected with GDF6-related conditions. ClinVar contains an entry for this variant (Variation ID: 3389583). Invitae Evidence Modeling of protein sequence and biophysical properties (such as structural, functional, and spatial information, amino acid conservation, physicochemical variation, residue mobility, and thermodynamic stability) indicates that this missense variant is not expected to disrupt GDF6 protein function with a negative predictive value of 80%. In summary, the available evidence is currently insufficient to determine the role of this variant in disease. Therefore, it has been classified as a Variant of Uncertain Significance.

CeGaT Center for Human Genetics Tuebingen
Classification: Uncertain significance. Last evaluated: 2024-09-01. Review status: criteria provided, single submitter. Criteria: CeGaT Center For Human Genetics Tuebingen Variant Classification Criteria Version 2. Collection method: clinical testing. Allele origin: germline. Affected: yes. Observed: 1 variant allele.
Comment: GDF6: PM2

NM_001001557.4(GDF6):c.759G>C (p.Gln253His)

Gene: GDF6 (growth differentiation factor 6; minus strand). Cytogenetic location: 8q22.1.
Variant type: single nucleotide variant.
Coding change: c.759G>C on transcript NM_001001557.4 (MANE Select); coding-DNA position 759, G replaced by C.
Protein change: p.Gln253His; replaces glutamine 253 with histidine.
Molecular consequence: missense variant.
Genome position (GRCh38, 1-based): chr8:96,145,172, C>G on the plus strand (G>C on the coding strand, the complement: GDF6 is on the minus strand). VCF-style: chr8-96145172-C-G. GRCh37 (hg19) VCF-style: chr8-97157400-C-G.
Other names: short protein forms Q253H.
Identifiers: ClinVar variation 3389583 (VCV003389583.16).